The following is an entry in ClinVar:

NC_012920.1(MT-ND6):m.14562C>T

Gene: MT-ND6 (mitochondrially encoded NADH dehydrogenase 6; minus strand).
Variant type: single nucleotide variant.
Genome position: chrM-14562-C-T.
Identifiers: ClinVar variation 693736 (VCV000693736.1), dbSNP rs1603224791, ClinGen allele CA414823058.

ClinVar aggregate classification (germline): Benign (1 of 4 stars; one submission).

Conditions:
Leigh syndrome (NULS). Also called: Leigh's necrotizing encephalopathy; Leigh's disease; Leigh's syndrome; LEIGH SYNDROME, NUCLEAR; Leigh Syndrome (mtDNA deletion); Leigh Disease. Identifiers: Orphanet 506, MedGen C2931891, MONDO:0009723, OMIM 256000.

Submission:

Wong Mito Lab, Molecular and Human Genetics, Baylor College of Medicine
Classification: Benign for Leigh syndrome. Last evaluated: 2019-10-17. Review status: criteria provided, single submitter. Criteria: Modified ACMG Guidelines (Unpublished). Collection method: clinical testing. Allele origin: germline.
Comment: The NC_012920.1:m.14562C>T (YP_003024037.1:p.Val38Ile) variant in MTND6 gene is interpretated to be a Benign variant based on the modified ACMG guidelines (unpublished). This variant meets the following evidence codes: BS1, BS4, BP4

Literature cited by the submitters: PubMed 11241853.